The following is an entry in ClinVar:

NM_001113378.2(FANCI):c.2776A>C (p.Lys926Gln)

Gene: FANCI (FA complementation group I; plus strand). Cytogenetic location: 15q26.1.
Variant type: single nucleotide variant.
Coding change: c.2776A>C on transcript NM_001113378.2 (MANE Select); coding-DNA position 2776, A replaced by C.
Protein change: p.Lys926Gln; replaces lysine 926 with glutamine.
Molecular consequence: missense variant.
Genome position (GRCh38, 1-based): chr15:89,299,939, A>C. VCF-style: chr15-89299939-A-C. GRCh37 (hg19) VCF-style: chr15-89843170-A-C.
Other names: c.2497A>C, p.Lys833Gln (NM_001376910.1); c.2776A>C, p.Lys926Gln (NM_001376911.1); c.2596A>C, p.Lys866Gln (NM_018193.3); short protein forms K926Q, K866Q, K833Q.
Identifiers: ClinVar variation 643493 (VCV000643493.6), dbSNP rs1596316742, ClinGen allele CA393737162.

ClinVar aggregate classification (germline): Uncertain significance (1 of 4 stars; one submission).

Conditions:
Fanconi anemia (FA). Also called: Fanconi's anemia. Identifiers: Orphanet 84, MedGen C0015625, MeSH D005199, MONDO:0019391.

Submission:

Labcorp Genetics (formerly Invitae), Labcorp
Classification: Uncertain significance for Fanconi anemia. Last evaluated: 2021-08-30. Review status: criteria provided, single submitter. Criteria: Invitae Variant Classification Sherloc (09022015). Collection method: clinical testing. Allele origin: germline.
Comment: This sequence change replaces lysine with glutamine at codon 926 of the FANCI protein (p.Lys926Gln). The lysine residue is moderately conserved and there is a small physicochemical difference between lysine and glutamine. This variant is not present in population databases (ExAC no frequency). This variant has not been reported in the literature in individuals affected with FANCI-related conditions. Algorithms developed to predict the effect of missense changes on protein structure and function are either unavailable or do not agree on the potential impact of this missense change (SIFT: "Deleterious"; PolyPhen-2: "Benign"; Align-GVGD: "Class C0"). In summary, the available evidence is currently insufficient to determine the role of this variant in disease. Therefore, it has been classified as a Variant of Uncertain Significance.